The following is an entry in ClinVar:

ClinVar aggregate classification (germline): Pathogenic (1 of 4 stars; one submission).

Conditions:
Cataract 38. Also called: Cataract, autosomal recessive congenital 5; Cataract 38, autosomal recessive. Identifiers: Orphanet 91492, MedGen C3553494, MONDO:0013859, OMIM 614691.
Sengers syndrome. Also called: MITOCHONDRIAL DNA DEPLETION SYNDROME 10 (CARDIOMYOPATHIC TYPE); Cardiomyopathy and cataract. Identifiers: Orphanet 1369, MedGen C1859317, MONDO:0008922, OMIM 212350.

gnomAD v4.1: 3 of 1,612,998 alleles (0.00019%); highest among the groups gnomAD compares: East Asian, 0.0067%; no homozygotes.

Submission:

Labcorp Genetics (formerly Invitae), Labcorp
Classification: Pathogenic for Sengers syndrome; Cataract 38. Last evaluated: 2024-05-26. Review status: criteria provided, single submitter. Criteria: Invitae Variant Classification Sherloc (09022015). Collection method: clinical testing. Allele origin: germline.
Comment: This sequence change creates a premature translational stop signal (p.Leu90*) in the AGK gene. It is expected to result in an absent or disrupted protein product. Loss-of-function variants in AGK are known to be pathogenic (PMID: 22284826). This variant is not present in population databases (gnomAD no frequency). This variant has not been reported in the literature in individuals affected with AGK-related conditions. For these reasons, this variant has been classified as Pathogenic.

Literature cited by the submitters: PubMed 22284826.

NM_018238.4(AGK):c.269T>G (p.Leu90Ter)

Gene: AGK (acylglycerol kinase; plus strand). Cytogenetic location: 7q34.
Variant type: single nucleotide variant.
Coding change: c.269T>G on transcript NM_018238.4 (MANE Select); coding-DNA position 269, T replaced by G.
Protein change: p.Leu90Ter; replaces leucine 90 with a stop codon.
Molecular consequence: nonsense.
Genome position (GRCh38, 1-based): chr7:141,601,252, T>G. VCF-style: chr7-141601252-T-G. GRCh37 (hg19) VCF-style: chr7-141301052-T-G.
Other names: c.269T>G, p.Leu90Ter (NM_001364948.3); short protein forms L90*.
Identifiers: ClinVar variation 3756552 (VCV003756552.2).